The following is an entry in ClinVar:

ClinVar aggregate classification (germline): Uncertain significance (1 of 4 stars; one submission).

Conditions:
Hypertrophic cardiomyopathy. Also called: HYPERTROPHIC MYOCARDIOPATHY. Identifiers: Orphanet 217569, MedGen C0007194, MeSH D002312, MONDO:0005045, HP:0001639.

Allele frequency attached by ClinVar (database versions not stated): gnomAD exomes below 0.00001 and 0.00001; TOPMed below 0.00001; ExAC 0.00001.
gnomAD v4.1: 1 of 1,603,566 alleles (0.000062%); highest among the groups gnomAD compares: East Asian, 0.0022%; no homozygotes.

Submission:

Labcorp Genetics (formerly Invitae), Labcorp
Classification: Uncertain significance for Hypertrophic cardiomyopathy. Last evaluated: 2018-12-28. Review status: criteria provided, single submitter. Criteria: Invitae Variant Classification Sherloc (09022015). Collection method: clinical testing. Allele origin: germline.
Comment: This sequence change falls in intron 17 of the MYOM1 gene. It does not directly change the encoded amino acid sequence of the MYOM1 protein. This variant is present in population databases (rs746487171, ExAC 0.01%). This variant has not been reported in the literature in individuals with MYOM1-related conditions. Algorithms developed to predict the effect of sequence changes on RNA splicing suggest that this variant may disrupt the consensus splice site, but this prediction has not been confirmed by published transcriptional studies. In summary, the available evidence is currently insufficient to determine the role of this variant in disease. Therefore, it has been classified as a Variant of Uncertain Significance.

NM_003803.4(MYOM1):c.2507-4G>A

Gene: MYOM1 (myomesin 1; minus strand). Cytogenetic location: 18p11.31.
Variant type: single nucleotide variant.
Coding change: c.2507-4G>A on transcript NM_003803.4 (MANE Select); 4 bases into the intron before coding-DNA position 2507, G replaced by A.
Molecular consequence: intron variant.
Genome position (GRCh38, 1-based): chr18:3,129,523, C>T on the plus strand (G>A on the coding strand, the complement: MYOM1 is on the minus strand). VCF-style: chr18-3129523-C-T. GRCh37 (hg19) VCF-style: chr18-3129521-C-T.
Other names: c.2506+1852G>A (NM_019856.2).
Identifiers: ClinVar variation 665853 (VCV000665853.1), dbSNP rs746487171, ClinGen allele CA8874592.
Genomic context (GRCh38, chr18:3,129,523, plus strand): 5'-TTAGTCCACCAGGCTCATCGCTCAGTGCGGGACACACATCTGGAGACACTCCTCCCCCTA[C>T]AGTTGCCAGACAACAACAGAAACGCATTGAGCCCGGACAGAGTATCAGCTGCTCTTATAG-3'